The following is an entry in ClinVar:

ClinVar aggregate classification (germline): Uncertain significance (0 of 4 stars; one submission).

Conditions:
DYRK1B-related disorder. Also called: DYRK1B-related condition.

Submission:

PreventionGenetics, part of Exact Sciences
Classification: Uncertain significance for DYRK1B-related condition. Last evaluated: 2024-09-04. Review status: no assertion criteria provided. Collection method: clinical testing. Allele origin: germline.
Comment: The DYRK1B c.1678C>T variant is predicted to result in the amino acid substitution p.Pro560Ser. To our knowledge, this variant has not been reported in the literature or in a large population database, indicating this variant is rare. At this time, the clinical significance of this variant is uncertain due to the absence of conclusive functional and genetic evidence.

NM_004714.3(DYRK1B):c.1678C>T (p.Pro560Ser)

Gene: DYRK1B (dual specificity tyrosine phosphorylation regulated kinase 1B; minus strand). Cytogenetic location: 19q13.2.
Variant type: single nucleotide variant.
Coding change: c.1678C>T on transcript NM_004714.3 (MANE Select); coding-DNA position 1678, C replaced by T.
Protein change: p.Pro560Ser; replaces proline 560 with serine.
Molecular consequence: missense variant.
Genome position (GRCh38, 1-based): chr19:39,825,927, G>A on the plus strand (C>T on the coding strand, the complement: DYRK1B is on the minus strand). VCF-style: chr19-39825927-G-A. GRCh37 (hg19) VCF-style: chr19-40316567-G-A.
Other names: c.1558C>T, p.Pro520Ser (NM_006483.3); c.1594C>T, p.Pro532Ser (NM_006484.3); short protein forms P520S, P532S, P560S.
Identifiers: ClinVar variation 3352364 (VCV003352364.1).
Genomic context (GRCh38, chr19:39,825,927, plus strand): 5'-GGTGAGGTGGGGAGCAGTCAGCAGGGCCGCCCACCAGGCTCACATCCATCAGCTCCGGGG[G>A]TGGTGGTGAGGTTGGTGATGGGGGACGACCAAGGTATCGGGGCTGGGGGGGTAACTGGGC-3'
Protein context (NP_004705.1, residues 550-570): GRPPSPTSPP[Pro560Ser]PELMDVSLVG